The following is an entry in ClinVar:

ClinVar aggregate classification (germline): Conflicting classifications of pathogenicity. Review status: criteria provided, conflicting classifications (1 of 4 stars). 2 submissions from 2 submitters: Uncertain significance (1); Likely benign (1). Last evaluated 2025-10-17.

Conditions:
Inborn genetic diseases. Identifiers: MedGen C0950123, MeSH D030342.

Allele frequency attached by ClinVar (database versions not stated): ExAC 0.00006; gnomAD 0.00009; TOPMed 0.00009; gnomAD exomes 0.00011; 1000 Genomes Project 0.00040; 1000 Genomes Project 30x 0.00047.
gnomAD v4.1: 168 of 1,614,150 alleles (0.01%); highest among the groups gnomAD compares: African/African-American, 0.021%; no homozygotes.

Submissions (2):

Labcorp Genetics (formerly Invitae), Labcorp
Classification: Uncertain significance. Last evaluated: 2025-10-17. Review status: criteria provided, single submitter. Criteria: Invitae Variant Classification Sherloc (09022015). Collection method: clinical testing. Allele origin: germline.
Comment: This sequence change replaces glycine, which is neutral and non-polar, with arginine, which is basic and polar, at codon 1390 of the DIP2C protein (p.Gly1390Arg). This variant is present in population databases (rs200158282, gnomAD 0.01%). This variant has not been reported in the literature in individuals affected with DIP2C-related conditions. ClinVar contains an entry for this variant (Variation ID: 2143545). An algorithm developed to predict the effect of missense changes on protein structure and function (PolyPhen-2) suggests that this variant is likely to be disruptive. Algorithms developed to predict the effect of sequence changes on RNA splicing suggest that this variant may create or strengthen a splice site. In summary, the available evidence is currently insufficient to determine the role of this variant in disease. Therefore, it has been classified as a Variant of Uncertain Significance.

Ambry Genetics
Classification: Likely benign for Inborn genetic diseases. Last evaluated: 2024-08-01. Review status: criteria provided, single submitter. Criteria: Ambry Variant Classification Scheme 2023. Collection method: clinical testing. Allele origin: germline.

NM_014974.3(DIP2C):c.4168G>A (p.Gly1390Arg)

Gene: DIP2C (DIP2 acetate--CoA ligase C (putative); minus strand). Cytogenetic location: 10p15.3.
Variant type: single nucleotide variant.
Coding change: c.4168G>A on transcript NM_014974.3 (MANE Select); coding-DNA position 4168, G replaced by A.
Protein change: p.Gly1390Arg; replaces glycine 1390 with arginine.
Molecular consequence: missense variant.
Genome position (GRCh38, 1-based): chr10:283,398, C>T on the plus strand (G>A on the coding strand, the complement: DIP2C is on the minus strand). VCF-style: chr10-283398-C-T. GRCh37 (hg19) VCF-style: chr10-329338-C-T.
Other names: c.4168G>A (NM_014974.2); short protein forms G1390R.
Identifiers: ClinVar variation 2143545 (VCV002143545.5), dbSNP rs200158282, ClinGen allele CA5379513.